The following is an entry in ClinVar:

NM_194277.3(FRMD7):c.478C>A (p.His160Asn)

Gene: FRMD7 (FERM domain containing 7; minus strand). Cytogenetic location: Xq26.2.
Variant type: single nucleotide variant.
Coding change: c.478C>A on transcript NM_194277.3 (MANE Select); coding-DNA position 478, C replaced by A.
Protein change: p.His160Asn; replaces histidine 160 with asparagine.
Molecular consequence: missense variant.
Genome position (GRCh38, 1-based): chrX:132,085,939, G>T on the plus strand (C>A on the coding strand, the complement: FRMD7 is on the minus strand). VCF-style: chrX-132085939-G-T. GRCh37 (hg19) VCF-style: chrX-131219967-G-T.
Other names: c.433C>A, p.His145Asn (NM_001306193.2); short protein forms H145N, H160N.
Identifiers: ClinVar variation 2131277 (VCV002131277.4), dbSNP rs2520758991, ClinGen allele CA414681315.
Genomic context (GRCh38, chrX:132,085,939, plus strand): 5'-TTCTCTACTGGGGGAAGCAGGTGCCAGCTGAAAGTACTTACATGTGCTTCTGATGAAAGT[G>T]CATGATCTTGCCCTCTAAACAGTCTTGGTTTGGTAAGTACCGAGTTTGTGCCAGATGCTT-3'
Protein context (NP_919253.1, residues 150-170): NQDCLEGKIM[His160Asn]FHQKHIGRSP

ClinVar aggregate classification (germline): Uncertain significance (1 of 4 stars; one submission).

Submission:

Labcorp Genetics (formerly Invitae), Labcorp
Classification: Uncertain significance. Last evaluated: 2024-11-05. Review status: criteria provided, single submitter. Criteria: Invitae Variant Classification Sherloc (09022015). Collection method: clinical testing. Allele origin: germline.
Comment: This sequence change replaces histidine, which is basic and polar, with asparagine, which is neutral and polar, at codon 160 of the FRMD7 protein (p.His160Asn). This variant is not present in population databases (gnomAD no frequency). This variant has not been reported in the literature in individuals affected with FRMD7-related conditions. ClinVar contains an entry for this variant (Variation ID: 2131277). An algorithm developed to predict the effect of missense changes on protein structure and function (PolyPhen-2) suggests that this variant is likely to be tolerated. In summary, the available evidence is currently insufficient to determine the role of this variant in disease. Therefore, it has been classified as a Variant of Uncertain Significance.